The following is an entry in ClinVar:

NM_015981.4(CAMK2A):c.943G>A (p.Gly315Arg)

Gene: CAMK2A (calcium/calmodulin dependent protein kinase II alpha; minus strand). Cytogenetic location: 5q32.
Variant type: single nucleotide variant.
Coding change: c.943G>A on transcript NM_015981.4 (MANE Select); coding-DNA position 943, G replaced by A.
Protein change: p.Gly315Arg; replaces glycine 315 with arginine.
Molecular consequence: missense variant.
Genome position (GRCh38, 1-based): chr5:150,247,772, C>T on the plus strand (G>A on the coding strand, the complement: CAMK2A is on the minus strand). VCF-style: chr5-150247772-C-T. GRCh37 (hg19) VCF-style: chr5-149627335-C-T.
Other names: c.943G>A, p.Gly315Arg (NM_001363989.1, NM_001363990.1, NM_001369025.2 and 1 more transcripts); short protein forms G315R.
Identifiers: ClinVar variation 2501822 (VCV002501822.1), dbSNP rs1449666180, ClinGen allele CA361748138.

ClinVar aggregate classification (germline): Uncertain significance (1 of 4 stars; one submission).

Allele frequency attached by ClinVar (database versions not stated): gnomAD exomes below 0.00001.
gnomAD v4.1: 1 of 1,610,922 alleles (0.000062%); highest among the groups gnomAD compares: South Asian, 0.0011%; no homozygotes.

Submission:

GeneDx
Classification: Uncertain significance. Last evaluated: 2022-11-10. Review status: criteria provided, single submitter. Criteria: GeneDx Variant Classification Process June 2021. Collection method: clinical testing. Allele origin: germline. Affected: yes.
Comment: In silico analysis supports that this missense variant does not alter protein structure/function; Has not been previously published as pathogenic or benign to our knowledge